The following is an entry in ClinVar:

NM_005228.5(EGFR):c.2491C>T (p.Arg831Cys)

Gene: EGFR (epidermal growth factor receptor; plus strand). Cytogenetic location: 7p11.2.
Variant type: single nucleotide variant.
Coding change: c.2491C>T on transcript NM_005228.5 (MANE Select); coding-DNA position 2491, C replaced by T.
Protein change: p.Arg831Cys; replaces arginine 831 with cysteine.
Molecular consequence: missense variant.
Genome position (GRCh38, 1-based): chr7:55,191,740, C>T. VCF-style: chr7-55191740-C-T. GRCh37 (hg19) VCF-style: chr7-55259433-C-T.
Other names: c.2356C>T, p.Arg786Cys (NM_001346897.2, NM_001346899.2); c.2491C>T, p.Arg831Cys (NM_001346898.2); c.2332C>T, p.Arg778Cys (NM_001346900.2); c.1690C>T, p.Arg564Cys (NM_001346941.2); c.2491C>T (NM_005228.4); short protein forms R831C, R786C, R564C, R778C.
Identifiers: ClinVar variation 45276 (VCV000045276.22), dbSNP rs371228501, ClinGen allele CA135911.

ClinVar aggregate classification (germline): Uncertain significance. Review status: criteria provided, multiple submitters, no conflicts (2 of 4 stars). 8 submissions from 8 submitters: Uncertain significance (7). 1 of the submissions does not count toward it. Last evaluated 2026-01-11.

Conditions:
Lung cancer. Also called: Lung cancer, somatic; Malignant tumor of lung. Identifiers: MedGen C0242379, MONDO:0008903, OMIM 211980.
Inflammatory skin and bowel disease, neonatal, 2 (NNCIS). Identifiers: Orphanet 294023, MedGen C4015130, MONDO:0014481, OMIM 616069.
EGFR-related disorder. Also called: EGFR-related condition.
Hereditary cancer-predisposing syndrome. Also called: Hereditary Cancer Syndrome; Neoplastic Syndromes, Hereditary; Hereditary neoplastic syndrome; Tumor predisposition. Identifiers: Orphanet 140162, MedGen C0027672, MeSH D009386, MONDO:0015356.
EGFR-related lung cancer (EGFR). Identifiers: MedGen CN130014.

Allele frequency attached by ClinVar (database versions not stated): gnomAD exomes 0.00003 and 0.00007; ExAC 0.00008; ESP Exome Variant Server 0.00008; gnomAD 0.00012; TOPMed 0.00012; 1000 Genomes Project 0.00020; 1000 Genomes Project 30x 0.00031.
gnomAD v4.1: 66 of 1,613,908 alleles (0.0041%); highest among the groups gnomAD compares: African/African-American, 0.053%; no homozygotes.

Submissions (8):

Labcorp Genetics (formerly Invitae), Labcorp
Classification: Uncertain significance for EGFR-related lung cancer. Last evaluated: 2026-01-11. Review status: criteria provided, single submitter. Criteria: Invitae Variant Classification Sherloc (09022015). Collection method: clinical testing. Allele origin: germline.
Comment: This sequence change replaces arginine, which is basic and polar, with cysteine, which is neutral and slightly polar, at codon 831 of the EGFR protein (p.Arg831Cys). This variant is present in population databases (rs371228501, gnomAD 0.07%). This missense change has been observed in individual(s) with lung cancer (PMID: 20823418). ClinVar contains an entry for this variant (Variation ID: 45276). Invitae Evidence Modeling of protein sequence and biophysical properties (such as structural, functional, and spatial information, amino acid conservation, physicochemical variation, residue mobility, and thermodynamic stability) indicates that this missense variant is not expected to disrupt EGFR protein function with a negative predictive value of 80%. In summary, the available evidence is currently insufficient to determine the role of this variant in disease. Therefore, it has been classified as a Variant of Uncertain Significance.

PreventionGenetics, part of Exact Sciences
Classification: Uncertain significance for EGFR-related condition. Last evaluated: 2025-10-10. Review status: criteria provided, single submitter. Criteria: ACMG Guidelines, 2015. Collection method: clinical testing. Allele origin: germline.
Comment: The EGFR c.2491C>T variant is predicted to result in the amino acid substitution p.Arg831Cys. This variant was reported in an individual with lung cancer (Chung et al. 2010. PubMed ID: 20823418). This variant is reported in 0.064% of alleles in individuals of African descent in gnomAD and is classified as uncertain in ClinVar (Variation ID: 45276). Although we suspect that this variant may be benign, at this time, the clinical significance of this variant is uncertain due to the absence of conclusive functional and genetic evidence.

Ambry Genetics
Classification: Uncertain significance for Hereditary cancer-predisposing syndrome. Last evaluated: 2025-10-07. Review status: criteria provided, single submitter. Criteria: Ambry Variant Classification Scheme 2023. Collection method: clinical testing. Allele origin: germline.
Comment: The p.R831C variant (also known as c.2491C>T), located in coding exon 21 of the EGFR gene, results from a C to T substitution at nucleotide position 2491. The arginine at codon 831 is replaced by cysteine, an amino acid with highly dissimilar properties. This variant has been reported as a germline alteration in an individual with lung cancer (Chung KP et al. J Clin Oncol. 2010 Dec;28(34):e701-3). Based on data from gnomAD, the frequency for this variant is above the maximum credible frequency for a disease-causing variant in this gene based on internally established thresholds (Karczewski et al. Nature. 2020 May;581(7809):434-443; Whiffin et al. Genet Med. 2017 10;19:1151-1158). However, one functional study reported this variant to have higher levels of kinase activity in the absence of EGF treatment, and to potentially confer resistance to Erlotinib (Sueangoen N et al. Cell Biosci . 2020 Mar;10:41). This amino acid position is well conserved in available vertebrate species. In addition, this alteration is predicted to be deleterious by in silico analysis. Based on the available evidence, the clinical significance of this variant remains unclear.

GeneDx
Classification: Uncertain significance. Last evaluated: 2025-06-23. Review status: criteria provided, single submitter. Criteria: GeneDx Variant Classification Process June 2021. Collection method: clinical testing. Allele origin: germline. Affected: yes.
Comment: In silico analysis supports that this missense variant has a deleterious effect on protein structure/function; Observed in a patient with lung cancer (PMID: 20823418); This variant is associated with the following publications: (PMID: 20823418, 35982160, 35982159)

Dasa
Classification: Uncertain significance. Last evaluated: 2025-04-25. Review status: criteria provided, single submitter. Criteria: DASA Assertion Criteria. Collection method: clinical testing. Allele origin: germline.
Comment: NM_005228.5(EGFR):c.2491C>T (p.Arg831Cys) is a missense variant that results in the substitution of arginine with cysteine. This variant is rare in population databases. Computational prediction algorithms are consistent with a deleterious effect. The currently available literature and clinical evidence are not sufficient to establish a definitive association between this variant and the reported condition. Therefore, this variant is classified as a variant of uncertain significance.

Quest Diagnostics Nichols Institute San Juan Capistrano
Classification: Uncertain significance. Last evaluated: 2025-02-14. Review status: criteria provided, single submitter. Criteria: Quest Diagnostics criteria. Collection method: clinical testing. Allele origin: unknown.
Comment: The EGFR c.2491C>T (p.Arg831Cys) variant has been reported in the published literature in individuals with lung cancer (PMID: 20823418 (2010), 30429037 (2018)). Functional studies on the effect of this variant on EGFR protein function were inconclusive (PMID: 32190291 (2020)). The frequency of this variant in the general population (Genome Aggregation Database) is higher than would generally be expected for pathogenic variants in this gene. Analysis of this variant using bioinformatics tools for the prediction of the effect of amino acid changes on protein structure and function yielded predictions that this variant is damaging. Based on the available information, we are unable to determine the clinical significance of this variant.

Fulgent Genetics
Classification: Uncertain significance for Lung cancer; Inflammatory skin and bowel disease, neonatal, 2. Last evaluated: 2024-05-13. Review status: criteria provided, single submitter. Criteria: ACMG Guidelines, 2015. Collection method: clinical testing. Allele origin: germline.

Laboratory for Molecular Medicine, Mass General Brigham Personalized Medicine
Classification: Uncertain significance. Last evaluated: 2008-03-01. Review status: no assertion criteria provided. Collection method: clinical testing. Allele origin: somatic. Observed: 2 variant alleles. Not counted in ClinVar's aggregate classification.

Literature cited by the submitters: PubMed 20823418 (cited by Labcorp Genetics (formerly Invitae), Labcorp and Quest Diagnostics Nichols Institute San Juan Capistrano); PubMed 31175009 (cited by Quest Diagnostics Nichols Institute San Juan Capistrano); PubMed 21531810 (cited by Quest Diagnostics Nichols Institute San Juan Capistrano); PubMed 32190291 (cited by Quest Diagnostics Nichols Institute San Juan Capistrano); PubMed 26773740 (cited by Quest Diagnostics Nichols Institute San Juan Capistrano); PubMed 21841502 (cited by Quest Diagnostics Nichols Institute San Juan Capistrano); PubMed 30429037 (cited by Quest Diagnostics Nichols Institute San Juan Capistrano); PubMed 28676220 (cited by Quest Diagnostics Nichols Institute San Juan Capistrano); PubMed 26070531 (cited by Quest Diagnostics Nichols Institute San Juan Capistrano); PubMed 35982160 (cited by Quest Diagnostics Nichols Institute San Juan Capistrano); PubMed 21573507 (cited by Quest Diagnostics Nichols Institute San Juan Capistrano).